The following is an entry in ClinVar:

ClinVar aggregate classification (germline): Uncertain significance (1 of 4 stars; one submission).

Conditions:
KCNC2-related disorder.

gnomAD v4.1: 13 of 1,612,094 alleles (0.00081%); highest among the groups gnomAD compares: Non-Finnish European, 0.00093%; no homozygotes.

Submission:

PreventionGenetics, part of Exact Sciences
Classification: Uncertain significance for KCNC2-related condition. Last evaluated: 2025-09-12. Review status: criteria provided, single submitter. Criteria: ACMG Guidelines, 2015. Collection method: clinical testing. Allele origin: germline.
Comment: The KCNC2 c.1886G>A variant is predicted to result in the amino acid substitution p.Arg629His. To our knowledge, this variant has not been reported in the literature or in a large population database (gnomAD), indicating this variant is rare. At this time, the clinical significance of this variant is uncertain due to the absence of conclusive functional and genetic evidence.

NM_139137.4(KCNC2):c.1886G>A (p.Arg629His)

Gene: KCNC2 (potassium voltage-gated channel subfamily C member 2; minus strand). Cytogenetic location: 12q21.1.
Variant type: single nucleotide variant.
Coding change: c.1886G>A on transcript NM_139137.4 (MANE Select); coding-DNA position 1886, G replaced by A.
Protein change: p.Arg629His; replaces arginine 629 with histidine.
Molecular consequence: missense variant. On other transcripts: 3 prime UTR variant (6), non-coding transcript variant (1), intron variant (6).
Genome position (GRCh38, 1-based): chr12:75,043,136, C>T on the plus strand (G>A on the coding strand, the complement: KCNC2 is on the minus strand). VCF-style: chr12-75043136-C-T. GRCh37 (hg19) VCF-style: chr12-75436916-C-T.
Other names: c.*601G>A (NM_001260497.2, NM_001414197.1, NM_001414198.1); c.1721G>A, p.Arg574His (NM_001260499.2); c.1886G>A, p.Arg629His (NM_001414192.1); c.1847G>A, p.Arg616His (NM_001414193.1); c.1835G>A, p.Arg612His (NM_001414194.1); c.*151G>A (NM_001414202.1); c.*723G>A (NM_001414206.1, NM_001414213.1); c.1616-1688G>A (NM_001414199.1); and 3 more; short protein forms R616H, R574H, R612H, R629H.
Identifiers: ClinVar variation 4994993 (VCV004994993.1).
Genomic context (GRCh38, chr12:75,043,136, plus strand): 5'-AGCCGACTGATGCAGTTTGGTTGTTTGGTTTACAAGATAGATGGGATGGGAGATCGAGAG[C>T]GCCTCAGAGGACAAGGAGAGTTGTAGGGTGATGTTACTGGAGAGAGCCTCAGAGCATTGC-3'
Protein context (NP_631875.1, residues 619-638): SPYNSPCPLR[Arg629His]SRSPIPSIL